The following is an entry in ClinVar:

NM_001283009.2(RTEL1):c.2875C>T (p.His959Tyr)

Genes: RTEL1 (regulator of telomere elongation helicase 1; plus strand), RTEL1-TNFRSF6B (RTEL1-TNFRSF6B readthrough (NMD candidate); plus strand). Cytogenetic location: 20q13.33.
Variant type: single nucleotide variant.
Coding change: c.2875C>T on transcript NM_001283009.2 (MANE Select); coding-DNA position 2875, C replaced by T.
Protein change: p.His959Tyr; replaces histidine 959 with tyrosine.
Molecular consequence: missense variant. On other transcripts: non-coding transcript variant (1).
Genome position (GRCh38, 1-based): chr20:63,693,166, C>T. VCF-style: chr20-63693166-C-T. GRCh37 (hg19) VCF-style: chr20-62324519-C-T.
Other names: c.2206C>T, p.His736Tyr (NM_001283010.1); c.2875C>T, p.His959Tyr (NM_016434.4); c.2947C>T, p.His983Tyr (NM_032957.5); short protein forms H959Y, H736Y, H983Y.
Identifiers: ClinVar variation 854364 (VCV000854364.8), dbSNP rs1334634497, ClinGen allele CA409683214.
Genomic context (GRCh38, chr20:63,693,166, plus strand): 5'-AAGGGGCAGATGGGGACAGACGCCCCTTCCTCTACAGGCTTCTACCAGTTTGTGCGGCCC[C>T]ACCATAAGCAGCAGTTTGAGGAGGTCTGTATCCAGCTGACAGGACGAGGCTGTGGCTATC-3'
Protein context (NP_001269938.1, residues 949-969): LQGFYQFVRP[His959Tyr]HKQQFEEVCI

ClinVar aggregate classification (germline): Uncertain significance. Review status: criteria provided, multiple submitters, no conflicts (2 of 4 stars). 2 submissions from 2 submitters: Uncertain significance (2). Last evaluated 2023-11-03.

Conditions:
Dyskeratosis congenita, autosomal recessive 5 (DKCB5). Identifiers: MedGen C3554656, MONDO:0014076, OMIM 615190.
Pulmonary fibrosis and/or bone marrow failure, Telomere-related, 3. Also called: PULMONARY FIBROSIS AND/OR BONE MARROW FAILURE SYNDROME, TELOMERE-RELATED, 3. Identifiers: Orphanet 2032, MedGen C4225346, MONDO:0014613, OMIM 616373.

Allele frequency attached by ClinVar (database versions not stated): gnomAD below 0.00001 and 0.00001; gnomAD exomes below 0.00001; TOPMed 0.00001.
gnomAD v4.1: 5 of 1,612,086 alleles (0.00031%); highest among the groups gnomAD compares: South Asian, 0.0011%; no homozygotes.

Submissions (2):

Women's Health and Genetics/Laboratory Corporation of America, LabCorp
Classification: Uncertain significance. Last evaluated: 2023-11-03. Review status: criteria provided, single submitter. Criteria: LabCorp Variant Classification Summary - May 2015. Collection method: clinical testing. Allele origin: germline.
Comment: Variant summary: RTEL1 c.2947C>T (p.His983Tyr) results in a conservative amino acid change in the encoded protein sequence. Three of five in-silico tools predict a damaging effect of the variant on protein function. The variant allele was found at a frequency of 4e-06 in 249304 control chromosomes (gnomAD). The available data on variant occurrences in the general population are insufficient to allow any conclusion about variant significance. c.2947C>T has been reported in the literature in at least one heterozygous individual affected with interstitial lung disease (e.g., Juge_2017, Borie_2019). These reports do not provide unequivocal conclusions about association of the variant with Dyskeratosis Congenita (Hoyeraal Hreidarsson Syndrome). To our knowledge, no experimental evidence demonstrating an impact on protein function has been reported. The following publications have been ascertained in the context of this evaluation (PMID: 30523160, 28495692). One submitter has reported clinical-significance assessments for this variant to ClinVar after 2014 and has classified the variant as uncertain significance. Based on the evidence outlined above, the variant was classified as uncertain significance.

Labcorp Genetics (formerly Invitae), Labcorp
Classification: Uncertain significance for Dyskeratosis congenita, autosomal recessive 5; Pulmonary fibrosis and/or bone marrow failure, Telomere-related, 3. Last evaluated: 2021-08-31. Review status: criteria provided, single submitter. Criteria: Invitae Variant Classification Sherloc (09022015). Collection method: clinical testing. Allele origin: germline.
Comment: This sequence change replaces histidine with tyrosine at codon 959 of the RTEL1 protein (p.His959Tyr). The histidine residue is moderately conserved and there is a moderate physicochemical difference between histidine and tyrosine. This variant is not present in population databases (ExAC no frequency). This missense change has been observed in individual(s) with interstitial lung disease (PMID: 30523160). Algorithms developed to predict the effect of missense changes on protein structure and function are either unavailable or do not agree on the potential impact of this missense change (SIFT: "Deleterious"; PolyPhen-2: "Probably Damaging"; Align-GVGD: "Class C0"). In summary, the available evidence is currently insufficient to determine the role of this variant in disease. Therefore, it has been classified as a Variant of Uncertain Significance.

Literature cited by the submitters: PubMed 30523160 (cited by Women's Health and Genetics/Laboratory Corporation of America, LabCorp and Labcorp Genetics (formerly Invitae), Labcorp); PubMed 28495692 (cited by Women's Health and Genetics/Laboratory Corporation of America, LabCorp).